The following is an entry in ClinVar:

NM_005518.4(HMGCS2):c.758T>C (p.Val253Ala)

Gene: HMGCS2 (3-hydroxy-3-methylglutaryl-CoA synthase 2; minus strand). Cytogenetic location: 1p12.
Variant type: single nucleotide variant.
Coding change: c.758T>C on transcript NM_005518.4 (MANE Select); coding-DNA position 758, T replaced by C.
Protein change: p.Val253Ala; replaces valine 253 with alanine.
Molecular consequence: missense variant.
Genome position (GRCh38, 1-based): chr1:119,759,210, A>G on the plus strand (T>C on the coding strand, the complement: HMGCS2 is on the minus strand). VCF-style: chr1-119759210-A-G. GRCh37 (hg19) VCF-style: chr1-120301833-A-G.
Other names: c.632T>C, p.Val211Ala (NM_001166107.1); short protein forms V211A, V253A.
Identifiers: ClinVar variation 4850041 (VCV004850041.1).
Genomic context (GRCh38, chr1:119,759,210, plus strand): 5'-TATGATGTGTAACATCGATCCAAGGCCCGCAAGTAGCACTGGATGGAAAGCTTCCCATCC[A>G]CTATTGGGTACTCCGAGGCCAAATTTGGTTTGTAGAAGTCATACACATTCTCCATATGGG-3'
Protein context (NP_005509.1, residues 243-263): KPNLASEYPI[Val253Ala]DGKLSIQCYL

ClinVar aggregate classification (germline): Likely pathogenic (1 of 4 stars; one submission).

Conditions:
3-hydroxy-3-methylglutaryl-CoA synthase deficiency (HMGCS2D). Also called: HMGCS2 DEFICIENCY; MITOCHONDRIAL HMG-CoA SYNTHASE DEFICIENCY; HMG-CoA synthase-2 deficiency. Identifiers: Orphanet 35701, MedGen C2751532, MONDO:0011614, OMIM 605911.

gnomAD v4.1: 2 of 1,614,000 alleles (0.00012%); highest among the groups gnomAD compares: East Asian, 0.0022%; no homozygotes.

Submission:

Variantyx, Inc.
Classification: Likely pathogenic for 3-hydroxy-3-methylglutaryl-CoA synthase deficiency. Last evaluated: 2025-09-25. Review status: criteria provided, single submitter. Criteria: Variantyx Assertion Criteria 2022. Collection method: clinical testing. Allele origin: germline. Inheritance: Autosomal recessive inheritance.
Comment: This is a nonsynonymous variant in the HMGCS2 gene (OMIM: 600234). Pathogenic variants in this gene have been associated with autosomal recessive 3 hydroxy 3 methylglutaryl CoA synthase 2 deficiency. This variant has been reported in the compound heterozygous state in at least one affected individual (PMID: 32952630) (PM3_Supporting). Functional studies have shown that this variant alters HMGCS2 protein function (PMID: 32952630) (PS3), and multiple computational algorithms predict a deleterious effect for this variant (REVEL score: 0.828) (PP3_Moderate). This variant has a 0.0193% maximum allele frequency in non-founder control populations (PM2_Supporting). Based on the current evidence, this variant is classified as likely pathogenic for autosomal recessive 3 hydroxy 3 methylglutaryl CoA synthase 2 deficiency.

Literature cited by the submitters: PubMed 32952630.